The following is an entry in ClinVar:

NM_006922.4(SCN3A):c.3023T>C (p.Val1008Ala)

Gene: SCN3A (sodium voltage-gated channel alpha subunit 3; minus strand). Cytogenetic location: 2q24.3.
Variant type: single nucleotide variant.
Coding change: c.3023T>C on transcript NM_006922.4 (MANE Select); coding-DNA position 3023, T replaced by C.
Protein change: p.Val1008Ala; replaces valine 1008 with alanine.
Molecular consequence: missense variant.
Genome position (GRCh38, 1-based): chr2:165,128,001, A>G on the plus strand (T>C on the coding strand, the complement: SCN3A is on the minus strand). VCF-style: chr2-165128001-A-G. GRCh37 (hg19) VCF-style: chr2-165984511-A-G.
Other names: c.2876T>C, p.Val959Ala (NM_001081676.2, NM_001081677.2); short protein forms V1008A, V959A.
Identifiers: ClinVar variation 2663046 (VCV002663046.6), dbSNP rs1687096758, ClinGen allele CA349041346.

ClinVar aggregate classification (germline): Uncertain significance. Review status: criteria provided, multiple submitters, no conflicts (2 of 4 stars). 3 submissions from 3 submitters: Uncertain significance (3). Last evaluated 2025-03-21.

Conditions:
Inborn genetic diseases. Identifiers: MedGen C0950123, MeSH D030342.

Allele frequency attached by ClinVar (database versions not stated): gnomAD exomes below 0.00001; TOPMed below 0.00001; gnomAD 0.00001.
gnomAD v4.1: 6 of 1,613,876 alleles (0.00037%); highest among the groups gnomAD compares: South Asian, 0.0011%; no homozygotes.

Submissions (3):

GeneDx
Classification: Uncertain significance. Last evaluated: 2025-03-21. Review status: criteria provided, single submitter. Criteria: GeneDx Variant Classification Process June 2021. Collection method: clinical testing. Allele origin: germline.
Comment: Not observed at significant frequency in large population cohorts (gnomAD); In silico analysis supports that this missense variant has a deleterious effect on protein structure/function; Has not been previously published as pathogenic or benign to our knowledge

Ambry Genetics
Classification: Uncertain significance for Inborn genetic diseases. Last evaluated: 2024-04-26. Review status: criteria provided, single submitter. Criteria: Ambry Variant Classification Scheme 2023. Collection method: clinical testing. Allele origin: germline.

Labcorp Genetics (formerly Invitae), Labcorp
Classification: Uncertain significance. Last evaluated: 2023-09-01. Review status: criteria provided, single submitter. Criteria: Invitae Variant Classification Sherloc (09022015). Collection method: clinical testing. Allele origin: germline.
Comment: In summary, the available evidence is currently insufficient to determine the role of this variant in disease. Therefore, it has been classified as a Variant of Uncertain Significance. Advanced modeling of protein sequence and biophysical properties (such as structural, functional, and spatial information, amino acid conservation, physicochemical variation, residue mobility, and thermodynamic stability) performed at Invitae indicates that this missense variant is not expected to disrupt SCN3A protein function. This variant has not been reported in the literature in individuals affected with SCN3A-related conditions. This variant is not present in population databases (gnomAD no frequency). This sequence change replaces valine, which is neutral and non-polar, with alanine, which is neutral and non-polar, at codon 1008 of the SCN3A protein (p.Val1008Ala).